The following is an entry in ClinVar:

NM_000541.5(SAG):c.1186G>A (p.Gly396Arg)

Gene: SAG (S-antigen visual arrestin; plus strand). Cytogenetic location: 2q37.1.
Variant type: single nucleotide variant.
Coding change: c.1186G>A on transcript NM_000541.5 (MANE Select); coding-DNA position 1186, G replaced by A.
Protein change: p.Gly396Arg; replaces glycine 396 with arginine.
Molecular consequence: missense variant.
Genome position (GRCh38, 1-based): chr2:233,346,880, G>A. VCF-style: chr2-233346880-G-A. GRCh37 (hg19) VCF-style: chr2-234255526-G-A.
Other names: short protein forms G396R.
Identifiers: ClinVar variation 2818849 (VCV002818849.3), dbSNP rs2469842096, ClinGen allele CA351050493.

ClinVar aggregate classification (germline): Uncertain significance (1 of 4 stars; one submission).

Submission:

Labcorp Genetics (formerly Invitae), Labcorp
Classification: Uncertain significance. Last evaluated: 2022-12-05. Review status: criteria provided, single submitter. Criteria: Invitae Variant Classification Sherloc (09022015). Collection method: clinical testing. Allele origin: germline.
Comment: This sequence change replaces glycine, which is neutral and non-polar, with arginine, which is basic and polar, at codon 396 of the SAG protein (p.Gly396Arg). In summary, the available evidence is currently insufficient to determine the role of this variant in disease. Therefore, it has been classified as a Variant of Uncertain Significance. Algorithms developed to predict the effect of missense changes on protein structure and function output the following: SIFT: "Tolerated"; PolyPhen-2: "Benign"; Align-GVGD: "Class C0". The arginine amino acid residue is found in multiple mammalian species, which suggests that this missense change does not adversely affect protein function. This variant has not been reported in the literature in individuals affected with SAG-related conditions. This variant is not present in population databases (gnomAD no frequency).